The following is an entry in ClinVar:

ClinVar aggregate classification (germline): Uncertain significance (1 of 4 stars; one submission).

Conditions:
Cardiovascular phenotype. Identifiers: MedGen CN230736.

Submission:

Ambry Genetics
Classification: Uncertain significance for Cardiovascular phenotype. Last evaluated: 2025-01-27. Review status: criteria provided, single submitter. Criteria: Ambry Variant Classification Scheme 2023. Collection method: clinical testing. Allele origin: germline.
Comment: The p.A733V variant (also known as c.2198C>T), located in coding exon 14 of the CBL gene, results from a C to T substitution at nucleotide position 2198. The alanine at codon 733 is replaced by valine, an amino acid with similar properties. This amino acid position is conserved. In addition, the in silico prediction for this alteration is inconclusive. Based on the available evidence, the clinical significance of this variant remains unclear.

NM_005188.4(CBL):c.2198C>T (p.Ala733Val)

Gene: CBL (Cbl proto-oncogene; plus strand). Cytogenetic location: 11q23.3.
Variant type: single nucleotide variant.
Coding change: c.2198C>T on transcript NM_005188.4 (MANE Select); coding-DNA position 2198, C replaced by T.
Protein change: p.Ala733Val; replaces alanine 733 with valine.
Molecular consequence: missense variant.
Genome position (GRCh38, 1-based): chr11:119,297,428, C>T. VCF-style: chr11-119297428-C-T. GRCh37 (hg19) VCF-style: chr11-119168138-C-T.
Other names: short protein forms A733V.
Identifiers: ClinVar variation 3827826 (VCV003827826.1).